The following is an entry in ClinVar:

ClinVar aggregate classification (germline): Uncertain significance (1 of 4 stars; one submission).

Conditions:
Atrial fibrillation, familial, 6 (ATFB6). Identifiers: MedGen C2677294, MONDO:0012816, OMIM 612201.

Allele frequency attached by ClinVar (database versions not stated): gnomAD exomes below 0.00001; gnomAD 0.00001 and 0.00002; TOPMed 0.00001.
gnomAD v4.1: 16 of 1,613,948 alleles (0.00099%); highest among the groups gnomAD compares: Non-Finnish European, 0.0013%; no homozygotes.

Submission:

Labcorp Genetics (formerly Invitae), Labcorp
Classification: Uncertain significance for Atrial fibrillation, familial, 6. Last evaluated: 2022-08-15. Review status: criteria provided, single submitter. Criteria: Invitae Variant Classification Sherloc (09022015). Collection method: clinical testing. Allele origin: germline.
Comment: This sequence change replaces lysine, which is basic and polar, with methionine, which is neutral and non-polar, at codon 50 of the NPPA protein (p.Lys50Met). In summary, the available evidence is currently insufficient to determine the role of this variant in disease. Therefore, it has been classified as a Variant of Uncertain Significance. Algorithms developed to predict the effect of missense changes on protein structure and function (SIFT, PolyPhen-2, Align-GVGD) all suggest that this variant is likely to be disruptive. ClinVar contains an entry for this variant (Variation ID: 1062490). This variant has not been reported in the literature in individuals affected with NPPA-related conditions. This variant is present in population databases (no rsID available, gnomAD 0.002%).

NM_006172.4(NPPA):c.149A>T (p.Lys50Met)

Genes: NPPA (natriuretic peptide A; minus strand), NPPA-AS1 (NPPA antisense RNA 1; plus strand), LOC114827827 (VISTA enhancer hs2123; plus strand). Cytogenetic location: 1p36.22.
Variant type: single nucleotide variant.
Coding change: c.149A>T on transcript NM_006172.4 (MANE Select); coding-DNA position 149, A replaced by T.
Protein change: p.Lys50Met; replaces lysine 50 with methionine.
Molecular consequence: missense variant.
Genome position (GRCh38, 1-based): chr1:11,847,414, T>A on the plus strand (A>T on the coding strand, the complement: NPPA is on the minus strand). VCF-style: chr1-11847414-T-A. GRCh37 (hg19) VCF-style: chr1-11907471-T-A.
Other names: short protein forms K50M.
Identifiers: ClinVar variation 1062490 (VCV001062490.9), dbSNP rs984830140, ClinGen allele CA18010817.